The following is an entry in ClinVar:

ClinVar aggregate classification (germline): Uncertain significance (1 of 4 stars; one submission).

Submission:

Labcorp Genetics (formerly Invitae), Labcorp
Classification: Uncertain significance. Last evaluated: 2025-06-23. Review status: criteria provided, single submitter. Criteria: Invitae Variant Classification Sherloc (09022015). Collection method: clinical testing. Allele origin: germline.
Comment: This variant results in the deletion of part of exon 13 (c.1344_1374+378del) of the PRPF31 gene. While this variant is not anticipated to result in nonsense mediated decay, it likely alters RNA splicing and results in a disrupted protein product. This variant is not present in population databases (gnomAD no frequency). This variant has not been reported in the literature in individuals affected with PRPF31-related conditions. Variants that disrupt the consensus splice site are a relatively common cause of aberrant splicing (PMID: 17576681, 9536098). In summary, the available evidence is currently insufficient to determine the role of this variant in disease. Therefore, it has been classified as a Variant of Uncertain Significance.

Literature cited by the submitters: PubMed 17576681; PubMed 9536098.

NM_015629.4(PRPF31):c.1344_1374+378del

Gene: PRPF31 (pre-mRNA processing factor 31; plus strand). Cytogenetic location: 19q13.42.
Variant type: Deletion.
Coding change: c.1344_1374+378del on transcript NM_015629.4 (MANE Select); coding-DNA position 1344 through 378 bases into the intron after coding-DNA position 1374, 409 bases deleted.
Molecular consequence: splice donor variant.
Genome position (GRCh38, 1-based): chr19:54,129,340-54,129,748, 409 bases deleted. GRCh37 (hg19): chr19:54,632,715-54,633,123.
Identifiers: ClinVar variation 4721307 (VCV004721307.1).